The following is an entry in ClinVar:

ClinVar aggregate classification (germline): Uncertain significance. Review status: criteria provided, single submitter (1 of 4 stars). 2 submissions from 2 submitters: Uncertain significance (1). 1 of the submissions does not count toward it. Last evaluated 2022-05-04.

Conditions:
PHF6-related disorder. Also called: PHF6-related condition.

Submissions (2):

Mendelics
Classification: Uncertain significance. Last evaluated: 2022-05-04. Review status: criteria provided, single submitter. Criteria: Mendelics Assertion Criteria 2019. Collection method: clinical testing. Allele origin: germline.

PreventionGenetics, part of Exact Sciences
Classification: Uncertain significance for PHF6-related condition. Last evaluated: 2023-10-31. Review status: no assertion criteria provided. Collection method: clinical testing. Allele origin: germline. Not counted in ClinVar's aggregate classification.
Comment: The PHF6 c.729+5G>A variant is predicted to interfere with splicing. To our knowledge, this variant has not been reported in the literature or in a large population database, indicating this variant is rare. At this time, the clinical significance of this variant is uncertain due to the absence of conclusive functional and genetic evidence.

NM_001015877.2(PHF6):c.729+5G>A

Gene: PHF6 (PHD finger protein 6; plus strand). Cytogenetic location: Xq26.2.
Variant type: single nucleotide variant.
Coding change: c.729+5G>A on transcript NM_001015877.2 (MANE Select); 5 bases into the intron after coding-DNA position 729, G replaced by A.
Molecular consequence: intron variant.
Genome position (GRCh38, 1-based): chrX:134,413,971, G>A. VCF-style: chrX-134413971-G-A. GRCh37 (hg19) VCF-style: chrX-133548001-G-A.
Other names: c.729+5G>A (NM_032458.3, NM_032458.2); c.732+5G>A (NM_032335.3).
Identifiers: ClinVar variation 1685001 (VCV001685001.2), dbSNP rs993377069, ClinGen allele CA336029337.